The following is an entry in ClinVar:

ClinVar aggregate classification (germline): Uncertain significance (1 of 4 stars; one submission).

Submission:

Labcorp Genetics (formerly Invitae), Labcorp
Classification: Uncertain significance. Last evaluated: 2024-10-24. Review status: criteria provided, single submitter. Criteria: Invitae Variant Classification Sherloc (09022015). Collection method: clinical testing. Allele origin: germline.
Comment: This sequence change replaces histidine, which is basic and polar, with arginine, which is basic and polar, at codon 400 of the FCHO1 protein (p.His400Arg). This variant is present in population databases (no rsID available, gnomAD 0.0009%). This variant has not been reported in the literature in individuals affected with FCHO1-related conditions. An algorithm developed to predict the effect of missense changes on protein structure and function (PolyPhen-2) suggests that this variant is likely to be disruptive. In summary, the available evidence is currently insufficient to determine the role of this variant in disease. Therefore, it has been classified as a Variant of Uncertain Significance.

NM_015122.3(FCHO1):c.1199A>G (p.His400Arg)

Gene: FCHO1 (FCH and mu domain containing endocytic adaptor 1; plus strand). Cytogenetic location: 19p13.11.
Variant type: single nucleotide variant.
Coding change: c.1199A>G on transcript NM_015122.3 (MANE Select); coding-DNA position 1199, A replaced by G.
Protein change: p.His400Arg; replaces histidine 400 with arginine.
Molecular consequence: missense variant. On other transcripts: non-coding transcript variant (36).
Genome position (GRCh38, 1-based): chr19:17,776,263, A>G. VCF-style: chr19-17776263-A-G. GRCh37 (hg19) VCF-style: chr19-17887072-A-G.
Other names: c.1199A>G, p.His400Arg (NM_001384398.1, NM_001384399.1, NM_001384400.1 and 25 more transcripts); c.1154A>G, p.His385Arg (NM_001384403.1); c.1160A>G, p.His387Arg (NM_001384405.1, NM_001384388.1, NM_001384389.1); c.1049A>G, p.His350Arg (NM_001384406.1, NM_001384407.1, NM_001161359.2 and 3 more transcripts); c.1124A>G, p.His375Arg (NM_001384390.1); short protein forms H400R, H350R, H387R, H375R, H385R.
Identifiers: ClinVar variation 3701766 (VCV003701766.2).